The following is an entry in ClinVar:

ClinVar aggregate classification (germline): Uncertain significance (1 of 4 stars; one submission).

Conditions:
Hereditary spastic paraplegia 72 (SPG72A). Also called: Spastic paraplegia 72, autosomal recessive. Identifiers: Orphanet 401849, MedGen C5882669, MONDO:0014282, OMIM 615625.

Allele frequency attached by ClinVar (database versions not stated): gnomAD 0.00002; TOPMed 0.00002; ExAC 0.00003.
gnomAD v4.1: 20 of 1,612,306 alleles (0.0012%); highest among the groups gnomAD compares: Non-Finnish European, 0.0015%; no homozygotes.

Submission:

Labcorp Genetics (formerly Invitae), Labcorp
Classification: Uncertain significance for Hereditary spastic paraplegia 72. Last evaluated: 2022-09-22. Review status: criteria provided, single submitter. Criteria: Invitae Variant Classification Sherloc (09022015). Collection method: clinical testing. Allele origin: germline.
Comment: In summary, the available evidence is currently insufficient to determine the role of this variant in disease. Therefore, it has been classified as a Variant of Uncertain Significance. Algorithms developed to predict the effect of missense changes on protein structure and function (SIFT, PolyPhen-2, Align-GVGD) all suggest that this variant is likely to be tolerated. This variant has not been reported in the literature in individuals affected with REEP2-related conditions. This variant is present in population databases (rs756954484, gnomAD 0.008%). This sequence change replaces glutamic acid, which is acidic and polar, with lysine, which is basic and polar, at codon 186 of the REEP2 protein (p.Glu186Lys).

NM_001271803.2(REEP2):c.556G>A (p.Glu186Lys)

Gene: REEP2 (receptor accessory protein 2; plus strand). Cytogenetic location: 5q31.2.
Variant type: single nucleotide variant.
Coding change: c.556G>A on transcript NM_001271803.2 (MANE Select); coding-DNA position 556, G replaced by A.
Protein change: p.Glu186Lys; replaces glutamic acid 186 with lysine.
Molecular consequence: missense variant. On other transcripts: non-coding transcript variant (2).
Genome position (GRCh38, 1-based): chr5:138,445,366, G>A. VCF-style: chr5-138445366-G-A. GRCh37 (hg19) VCF-style: chr5-137781055-G-A.
Other names: c.550G>A, p.Glu184Lys (NM_016606.4); short protein forms E184K, E186K.
Identifiers: ClinVar variation 2048651 (VCV002048651.4), dbSNP rs756954484, ClinGen allele CA3429848.